The following is an entry in ClinVar:

NM_001356.5(DDX3X):c.45G>A (p.Gln15=)

Gene: DDX3X (DEAD-box helicase 3 X-linked; plus strand). Cytogenetic location: Xp11.4.
Variant type: single nucleotide variant.
Coding change: c.45G>A on transcript NM_001356.5 (MANE Select); coding-DNA position 45, G replaced by A.
Protein change: p.Gln15=; no amino-acid change (glutamine 15 retained).
Molecular consequence: synonymous variant. On other transcripts: 5 prime UTR variant (1), non-coding transcript variant (2).
Genome position (GRCh38, 1-based): chrX:41,334,297, G>A. VCF-style: chrX-41334297-G-A. GRCh37 (hg19) VCF-style: chrX-41193550-G-A.
Other names: c.45G>A, p.Gln15= (NM_001193416.3, NM_001193417.3); c.-1859G>A (NM_001363819.1).
Identifiers: ClinVar variation 4617103 (VCV004617103.1).
Genomic context (GRCh38, chrX:41,334,297, plus strand): 5'-TCGGTACTCTTCAGGGATGAGTCATGTGGCAGTGGAAAATGCGCTCGGGCTGGACCAGCA[G>A]GTGAGCCGCAAGAACCCCACCGGGCTGGCTGCTGCGTGAATTCCTCCCCTGACCTAACCT-3'
Protein context (NP_001347.3, residues 5-25): AVENALGLDQ[Gln15=]FAGLDLNSSD

ClinVar aggregate classification (germline): Uncertain significance (1 of 4 stars; one submission).

Conditions:
Inborn genetic diseases. Identifiers: MedGen C0950123, MeSH D030342.

Submission:

Ambry Genetics
Classification: Uncertain significance for Inborn genetic diseases. Last evaluated: 2025-11-25. Review status: criteria provided, single submitter. Criteria: Ambry Variant Classification Scheme 2023. Collection method: clinical testing. Allele origin: germline.
Comment: The c.45G>A (p.Q15Q) alteration is located in exon 1 (coding exon 1) of the DDX3X gene. This alteration consists of a G to A substitution at nucleotide position 45. This nucleotide substitution does not change the amino acid at codon 15. However, this change occurs in the last base pair of exon 1 (coding exon 1), which makes it likely to have some effect on normal mRNA splicing. This variant was not reported in population-based cohorts in the Genome Aggregation Database (gnomAD). This nucleotide position is highly conserved in available vertebrate species. In silico splice site analysis predicts that this alteration may weaken the native splice donor site. Based on insufficient or conflicting evidence, the clinical significance of this alteration remains unclear.